The following is an entry in ClinVar:

NM_001267550.2(TTN):c.70032dup (p.Glu23345Ter)

Genes: TTN (titin; minus strand), TTN-AS1 (TTN antisense RNA 1; plus strand), LOC126806422 (BRD4-independent group 4 enhancer GRCh37_chr2:179440205-179441404; plus strand). Cytogenetic location: 2q31.2.
Variant type: Duplication.
Coding change: c.70032dup on transcript NM_001267550.2 (MANE Select); coding-DNA position 70032, one base duplicated (T; older notation c.70032dupT).
Protein change: p.Glu23345Ter; replaces glutamic acid 23345 with a stop codon.
Molecular consequence: nonsense.
Genome position (GRCh38, 1-based): chr2:178,576,100, A duplicated on the plus strand (T on the coding strand, the reverse complement: TTN is on the minus strand); the first of 4 consecutive A bases (chr2:178,576,100-178,576,103); duplicating any one gives the same sequence. VCF-style (leftmost placement, unchanged base first): chr2-178576099-C-CA. GRCh37 (hg19) VCF-style: chr2-179440826-C-CA.
Other names: c.65109dup, p.Glu21704Ter (NM_001256850.1); c.42837dup, p.Glu14280Ter (NM_003319.4); c.62328dup, p.Glu20777Ter (NM_133378.4); c.43212dup, p.Glu14405Ter (NM_133432.3); c.43413dup, p.Glu14472Ter (NM_133437.4); short protein forms E14280*, E14472*, E14405*, E20777*, E21704*, E23345*.
Identifiers: ClinVar variation 2929629 (VCV002929629.3), dbSNP rs2468711972, ClinGen allele CA2740096030.

ClinVar aggregate classification (germline): Likely pathogenic (1 of 4 stars; one submission).

Conditions:
Dilated cardiomyopathy 1G (CMD1G). Identifiers: Orphanet 154, MedGen C1858763, MONDO:0011400, OMIM 604145.
Autosomal recessive limb-girdle muscular dystrophy type 2J (LGMDR10). Also called: MUSCULAR DYSTROPHY, LIMB-GIRDLE, AUTOSOMAL RECESSIVE 10; Limb-girdle muscular dystrophy, type 2J. Identifiers: Orphanet 140922, MedGen C1837342, MONDO:0012127, OMIM 608807.

Submission:

Labcorp Genetics (formerly Invitae), Labcorp
Classification: Likely pathogenic for Dilated cardiomyopathy 1G; Autosomal recessive limb-girdle muscular dystrophy type 2J. Last evaluated: 2025-08-24. Review status: criteria provided, single submitter. Criteria: Invitae Variant Classification Sherloc (09022015). Collection method: clinical testing. Allele origin: germline.
Comment: This sequence change creates a premature translational stop signal (p.Glu23345*) in the TTN gene. While this is not anticipated to result in nonsense mediated decay, it is expected to create a truncated TTN protein. This variant is not present in population databases (gnomAD no frequency). This variant has not been reported in the literature in individuals affected with TTN-related conditions. ClinVar contains an entry for this variant (Variation ID: 2929629). This variant is located in the A band of TTN (PMID: 25589632). Truncating variants in this region are significantly overrepresented in patients affected with dilated cardiomyopathy (PMID: 25589632). Truncating variants in this region have also been reported in individuals affected with autosomal recessive centronuclear myopathy (PMID: 23975875). In summary, the currently available evidence indicates that the variant is pathogenic, but additional data are needed to prove that conclusively. Therefore, this variant has been classified as Likely Pathogenic.

Literature cited by the submitters: PubMed 25589632; PubMed 23975875.